The following is an entry in ClinVar:

ClinVar aggregate classification (germline): Uncertain significance. Review status: criteria provided, multiple submitters, no conflicts (2 of 4 stars). 2 submissions from 2 submitters: Uncertain significance (2). Last evaluated 2024-12-13.

Conditions:
Inborn genetic diseases. Identifiers: MedGen C0950123, MeSH D030342.
Pulmonary hypertension, primary, 1 (PPH1). Also called: Pulmonary hypertension, familial primary, 1, with or without HHT. Identifiers: Orphanet 422, MedGen C4552070, MONDO:0024533, OMIM 178600.
Pulmonary venoocclusive disease 1 (PVOD1). Also called: Pulmonary venoocclusive disease 1, autosomal dominant. Identifiers: Orphanet 31837, MedGen C3887658, MONDO:0020713, OMIM 265450.

gnomAD v4.1: 4 of 1,614,174 alleles (0.00025%); highest among the groups gnomAD compares: Non-Finnish European, 0.00025%; no homozygotes.

Submissions (2):

Ambry Genetics
Classification: Uncertain significance for Inborn genetic diseases. Last evaluated: 2024-12-13. Review status: criteria provided, single submitter. Criteria: Ambry Variant Classification Scheme 2023. Collection method: clinical testing. Allele origin: germline.
Comment: The p.T993S variant (also known as c.2978C>G), located in coding exon 13 of the BMPR2 gene, results from a C to G substitution at nucleotide position 2978. The threonine at codon 993 is replaced by serine, an amino acid with similar properties. This amino acid position is conserved. In addition, the in silico prediction for this alteration is inconclusive. Based on the available evidence, the clinical significance of this variant remains unclear.

Fulgent Genetics
Classification: Uncertain significance for Pulmonary hypertension, primary, 1; Pulmonary venoocclusive disease 1. Last evaluated: 2024-05-09. Review status: criteria provided, single submitter. Criteria: ACMG Guidelines, 2015. Collection method: clinical testing. Allele origin: germline.

NM_001204.7(BMPR2):c.2978C>G (p.Thr993Ser)

Gene: BMPR2 (bone morphogenetic protein receptor type 2; plus strand). Cytogenetic location: 2q33.2.
Variant type: single nucleotide variant.
Coding change: c.2978C>G on transcript NM_001204.7 (MANE Select); coding-DNA position 2978, C replaced by G.
Protein change: p.Thr993Ser; replaces threonine 993 with serine.
Molecular consequence: missense variant.
Genome position (GRCh38, 1-based): chr2:202,559,807, C>G. VCF-style: chr2-202559807-C-G. GRCh37 (hg19) VCF-style: chr2-203424530-C-G.
Other names: short protein forms T993S.
Identifiers: ClinVar variation 3585310 (VCV003585310.2).